The following is an entry in ClinVar:

ClinVar aggregate classification (germline): Uncertain significance (1 of 4 stars; one submission).

Conditions:
Rubinstein-Taybi syndrome (RSTS). Identifiers: Orphanet 783, MedGen C0035934, MONDO:0019188.

Submission:

Labcorp Genetics (formerly Invitae), Labcorp
Classification: Uncertain significance for Rubinstein-Taybi syndrome. Last evaluated: 2021-12-18. Review status: criteria provided, single submitter. Criteria: Invitae Variant Classification Sherloc (09022015). Collection method: clinical testing. Allele origin: germline.
Comment: This sequence change replaces asparagine, which is neutral and polar, with serine, which is neutral and polar, at codon 526 of the CREBBP protein (p.Asn526Ser). In summary, the available evidence is currently insufficient to determine the role of this variant in disease. Therefore, it has been classified as a Variant of Uncertain Significance. Algorithms developed to predict the effect of sequence changes on RNA splicing suggest that this variant may create or strengthen a splice site. Advanced modeling of protein sequence and biophysical properties (such as structural, functional, and spatial information, amino acid conservation, physicochemical variation, residue mobility, and thermodynamic stability) performed at Invitae indicates that this missense variant is not expected to disrupt CREBBP protein function. This variant has not been reported in the literature in individuals affected with CREBBP-related conditions. This variant is not present in population databases (gnomAD no frequency).

NM_004380.3(CREBBP):c.1577A>G (p.Asn526Ser)

Gene: CREBBP (CREB binding lysine acetyltransferase; minus strand). Cytogenetic location: 16p13.3.
Variant type: single nucleotide variant.
Coding change: c.1577A>G on transcript NM_004380.3 (MANE Select); coding-DNA position 1577, A replaced by G.
Protein change: p.Asn526Ser; replaces asparagine 526 with serine.
Molecular consequence: missense variant.
Genome position (GRCh38, 1-based): chr16:3,781,303, T>C on the plus strand (A>G on the coding strand, the complement: CREBBP is on the minus strand). VCF-style: chr16-3781303-T-C. GRCh37 (hg19) VCF-style: chr16-3831304-T-C.
Other names: c.1463A>G, p.Asn488Ser (NM_001079846.1); short protein forms N488S, N526S.
Identifiers: ClinVar variation 2046706 (VCV002046706.4), dbSNP rs2141248385, ClinGen allele CA394556982.